The following is an entry in ClinVar:

NM_001371986.1(UNC80):c.2518A>T (p.Met840Leu)

Gene: UNC80 (unc-80 subunit of NALCN channel complex; plus strand). Cytogenetic location: 2q34.
Variant type: single nucleotide variant.
Coding change: c.2518A>T on transcript NM_001371986.1 (MANE Select); coding-DNA position 2518, A replaced by T.
Protein change: p.Met840Leu; replaces methionine 840 with leucine.
Molecular consequence: missense variant.
Genome position (GRCh38, 1-based): chr2:209,829,271, A>T. VCF-style: chr2-209829271-A-T. GRCh37 (hg19) VCF-style: chr2-210693995-A-T.
Other names: c.2518A>T, p.Met840Leu (NM_032504.2); c.2503A>T, p.Met835Leu (NM_182587.4); short protein forms M840L, M835L.
Identifiers: ClinVar variation 2101216 (VCV002101216.4), dbSNP rs764764040, ClinGen allele CA350137589.

ClinVar aggregate classification (germline): Uncertain significance (1 of 4 stars; one submission).

Submission:

Labcorp Genetics (formerly Invitae), Labcorp
Classification: Uncertain significance. Last evaluated: 2022-02-21. Review status: criteria provided, single submitter. Criteria: Invitae Variant Classification Sherloc (09022015). Collection method: clinical testing. Allele origin: germline.
Comment: This sequence change replaces methionine, which is neutral and non-polar, with leucine, which is neutral and non-polar, at codon 840 of the UNC80 protein (p.Met840Leu). In summary, the available evidence is currently insufficient to determine the role of this variant in disease. Therefore, it has been classified as a Variant of Uncertain Significance. Algorithms developed to predict the effect of missense changes on protein structure and function are either unavailable or do not agree on the potential impact of this missense change (SIFT: "Not Available"; PolyPhen-2: "Benign"; Align-GVGD: "Not Available"). This variant has not been reported in the literature in individuals affected with UNC80-related conditions. This variant is not present in population databases (gnomAD no frequency).